The following is an entry in ClinVar:

NM_000018.4(ACADVL):c.1678+23C>T

Gene: ACADVL (acyl-CoA dehydrogenase very long chain; plus strand). Cytogenetic location: 17p13.1.
Variant type: single nucleotide variant.
Coding change: c.1678+23C>T on transcript NM_000018.4 (MANE Select); 23 bases into the intron after coding-DNA position 1678, C replaced by T.
Molecular consequence: intron variant.
Genome position (GRCh38, 1-based): chr17:7,224,575, C>T. VCF-style: chr17-7224575-C-T. GRCh37 (hg19) VCF-style: chr17-7127894-C-T.
Other names: c.1747+23C>T (NM_001270447.2); c.1450+23C>T (NM_001270448.2); c.1612+23C>T (NM_001033859.3).
Identifiers: ClinVar variation 541727 (VCV000541727.25), dbSNP rs147546456, ClinGen allele CA8338211.

ClinVar aggregate classification (germline): Likely benign. Review status: reviewed by expert panel (3 of 4 stars). 9 submissions from 9 submitters: Likely benign (1). 8 of the submissions do not count toward it. Last evaluated 2025-08-12.

Conditions:
ACADVL-related disorder. Also called: ACADVL-related condition.
Very long chain acyl-CoA dehydrogenase deficiency (ACADVLD). Also called: VLCAD Deficiency; Very Long-Chain Acyl-Coenzyme A Dehydrogenase Deficiency. Identifiers: Orphanet 26793, MedGen C3887523, MONDO:0008723, OMIM 201475.

Allele frequency attached by ClinVar (database versions not stated): ESP Exome Variant Server 0.00069; TOPMed 0.00100; 1000 Genomes Project 30x 0.00125; 1000 Genomes Project 0.00140; gnomAD 0.00163 and 0.00164; ExAC 0.00172.
gnomAD v4.1: 2,887 of 1,608,400 alleles (0.18%); highest among the groups gnomAD compares: Non-Finnish European, 0.2%; 2 homozygotes.

Submissions (9):

ClinGen ACADVL Variant Curation Expert Panel, ClinGen
Classification: Likely benign for Very long chain acyl-CoA dehydrogenase deficiency. Last evaluated: 2025-08-12. Review status: reviewed by expert panel. Criteria: clingen acadvl acmg specifications v1. Collection method: curation. Allele origin: germline. Inheritance: Autosomal recessive inheritance.
Comment: The c.1678+23C>T (NM_000018.4) variant in ACADVL is an intronic variant which occurs in intron 17 and is not predicted by SpliceAI to impact splicing (BP4, BP7). At least one individual with this variant was identified in the literature, but this information is insufficient to use toward classification (PMID: 27246109 ). The highest population minor allele frequency in gnomAD v4.1 is 0.004771 in the European (Finnish) population which is higher than the ClinGen ACADVL Variant Curation Expert Panel threshold (≥0.0035) for BS1 and therefore meets this criterion (BS1). In summary, this variant meets the criteria to be classified as likely benign for autosomal recessive very long chain acyl-CoA dehydrogenase (VLCAD) deficiency based on the ACMG/AMP criteria applied, as specified by the ClinGen ACADVL Variant Curation Expert Panel: BP4, BP7, BS1 (ACADVL VCEP specifications version 2; approved May 1, 2025).

Blueprint Genetics
Classification: Likely benign. Last evaluated: 2024-11-28. Review status: criteria provided, single submitter. Criteria: ACMG Guidelines, 2015. Collection method: clinical testing. Allele origin: germline. Not counted in ClinVar's aggregate classification.

Labcorp Genetics (formerly Invitae), Labcorp
Classification: Benign for Very long chain acyl-CoA dehydrogenase deficiency. Last evaluated: 2023-10-13. Review status: criteria provided, single submitter. Criteria: Invitae Variant Classification Sherloc (09022015). Collection method: clinical testing. Allele origin: germline. Not counted in ClinVar's aggregate classification.

Wong Mito Lab, Molecular and Human Genetics, Baylor College of Medicine
Classification: Uncertain significance for Very long chain acyl-CoA dehydrogenase deficiency. Last evaluated: 2019-11-01. Review status: criteria provided, single submitter. Criteria: ACMG Guidelines, 2015. Collection method: clinical testing. Allele origin: germline. Not counted in ClinVar's aggregate classification.
Comment: The NM_000018.3:c.1678+23C>T (NP_000009.1:p.?) [GRCH38: NC_000017.11:g.7224575C>T] variant in ACADVL gene is interpretated to be Uncertain Significance based on ACMG guidelines (PMID: 25741868). This variant has been reported. This variant dose not meet any evidence codes reported in the ACMG guidelines.

GeneDx
Classification: Likely benign. Last evaluated: 2019-08-27. Review status: criteria provided, single submitter. Criteria: GeneDx Variant Classification Process June 2021. Collection method: clinical testing. Allele origin: germline. Affected: yes. Not counted in ClinVar's aggregate classification.
Comment: This variant is associated with the following publications: (PMID: 27246109)

Baylor Genetics
Classification: Uncertain significance for Very long chain acyl-CoA dehydrogenase deficiency. Last evaluated: 2018-04-05. Review status: criteria provided, single submitter. Criteria: ACMG Guidelines, 2015. Collection method: clinical testing. Allele origin: maternal. Affected: yes. Not counted in ClinVar's aggregate classification.
Comment: This variant was determined to be of uncertain significance according to ACMG Guidelines, 2015 [PMID:25741868].

Natera, Inc.
Classification: Uncertain significance for Very long chain acyl-CoA dehydrogenase deficiency. Last evaluated: 2020-01-09. Review status: no assertion criteria provided. Collection method: clinical testing. Allele origin: germline. Not counted in ClinVar's aggregate classification.

PreventionGenetics, part of Exact Sciences
Classification: Likely benign for ACADVL-related condition. Last evaluated: 2019-06-25. Review status: no assertion criteria provided. Collection method: clinical testing. Allele origin: germline. Not counted in ClinVar's aggregate classification.
Comment: This variant is classified as likely benign based on ACMG/AMP sequence variant interpretation guidelines (Richards et al. 2015 PMID: 25741868, with internal and published modifications).

Counsyl
Classification: Uncertain significance for Very long chain acyl-CoA dehydrogenase deficiency. Last evaluated: 2018-04-27. Review status: no assertion criteria provided. Collection method: clinical testing. Allele origin: unknown. Not counted in ClinVar's aggregate classification.

Literature cited by the submitters: PubMed 27246109 (cited by Counsyl).